The following is an entry in ClinVar:

ClinVar aggregate classification (germline): Likely benign. Review status: criteria provided, multiple submitters, no conflicts (2 of 4 stars). 4 submissions from 4 submitters: Likely benign (3). 1 of the submissions does not count toward it. Last evaluated 2026-01-20.

Conditions:
Hereditary cancer-predisposing syndrome. Also called: Tumor predisposition; Neoplastic Syndromes, Hereditary; Hereditary Cancer Syndrome; Hereditary neoplastic syndrome. Identifiers: Orphanet 140162, MedGen C0027672, MeSH D009386, MONDO:0015356.
Gorlin syndrome. Also called: Nevoid Basal Cell Carcinoma Syndrome; Basal cell nevus syndrome. Identifiers: Orphanet 377, MedGen C0004779, MONDO:0007187.
PTCH1-related disorder. Also called: PTCH1-related disorders; PTCH1-related condition.

Allele frequency attached by ClinVar (database versions not stated): gnomAD exomes 0.00003 and 0.00007; TOPMed 0.00005; ExAC 0.00007; gnomAD 0.00004 and 0.00005; ESP Exome Variant Server 0.00008.
gnomAD v4.1: 53 of 1,612,382 alleles (0.0033%); highest among the groups gnomAD compares: South Asian, 0.029%; no homozygotes.

Submissions (4):

Labcorp Genetics (formerly Invitae), Labcorp
Classification: Likely benign for Gorlin syndrome. Last evaluated: 2026-01-20. Review status: criteria provided, single submitter. Criteria: Invitae Variant Classification Sherloc (09022015). Collection method: clinical testing. Allele origin: germline.

KCCC/NGS Laboratory, Kuwait Cancer Control Center
Classification: Likely benign for Basal cell nevus syndrome 1. Last evaluated: 2023-07-07. Review status: criteria provided, single submitter. Criteria: ACMG Guidelines, 2015. Collection method: clinical testing. Allele origin: germline. Affected: yes.

Ambry Genetics
Classification: Likely benign for Hereditary cancer-predisposing syndrome. Last evaluated: 2017-06-13. Review status: criteria provided, single submitter. Criteria: Ambry Variant Classification Scheme 2023. Collection method: clinical testing. Allele origin: germline.

PreventionGenetics, part of Exact Sciences
Classification: Likely benign for PTCH1-related condition. Last evaluated: 2022-02-08. Review status: no assertion criteria provided. Collection method: clinical testing. Allele origin: germline. Not counted in ClinVar's aggregate classification.
Comment: This variant is classified as likely benign based on ACMG/AMP sequence variant interpretation guidelines (Richards et al. 2015 PMID: 25741868, with internal and published modifications).

NM_000264.5(PTCH1):c.2439G>A (p.Pro813=)

Genes: PTCH1 (patched 1; minus strand), LOC100507346 (uncharacterized LOC100507346; plus strand). Cytogenetic location: 9q22.32.
Variant type: single nucleotide variant.
Coding change: c.2439G>A on transcript NM_000264.5 (MANE Select); coding-DNA position 2439, G replaced by A.
Protein change: p.Pro813=; no amino-acid change (proline 813 retained).
Molecular consequence: synonymous variant. On other transcripts: non-coding transcript variant (1).
Genome position (GRCh38, 1-based): chr9:95,467,237, C>T on the plus strand (G>A on the coding strand, the complement: PTCH1 is on the minus strand). VCF-style: chr9-95467237-C-T. GRCh37 (hg19) VCF-style: chr9-98229519-C-T.
Other names: c.2241G>A, p.Pro747= (NM_001083602.3); c.2436G>A, p.Pro812= (NM_001083603.3); c.1986G>A, p.Pro662= (NM_001083604.3, NM_001083605.3, NM_001083606.3 and 1 more transcripts); c.2283G>A, p.Pro761= (NM_001354918.2).
Identifiers: ClinVar variation 415472 (VCV000415472.19), dbSNP rs151266988, ClinGen allele CA5138402.